The following is an entry in ClinVar:

NM_030912.3(TRIM8):c.1200C>A (p.Tyr400Ter)

Gene: TRIM8 (tripartite motif containing 8; plus strand). Cytogenetic location: 10q24.32.
Variant type: single nucleotide variant.
Coding change: c.1200C>A on transcript NM_030912.3 (MANE Select); coding-DNA position 1200, C replaced by A.
Protein change: p.Tyr400Ter; replaces tyrosine 400 with a stop codon.
Molecular consequence: nonsense. On other transcripts: non-coding transcript variant (1).
Genome position (GRCh38, 1-based): chr10:102,656,898, C>A. VCF-style: chr10-102656898-C-A. GRCh37 (hg19) VCF-style: chr10-104416655-C-A.
Other names: c.1104C>A, p.Tyr368Ter (NM_001345950.1); short protein forms Y368*, Y400*.
Identifiers: ClinVar variation 2582847 (VCV002582847.1), dbSNP rs772349788, ClinGen allele CA377931461.
Genomic context (GRCh38, chr10:102,656,898, plus strand): 5'-AACGGCCTTCCCAGAGGCCAGTTTCCTAGAGACGTCGTCGGGCCCTGTGGGCGGCCAGTA[C>A]GGGGCGGCGGGCACAGCCAGCGGTGAGGGCCAGTCTGGGCAGCCCCTGGGGCCCTGCAGC-3'

ClinVar aggregate classification (germline): Pathogenic (1 of 4 stars; one submission).

Conditions:
Focal segmental glomerulosclerosis and neurodevelopmental syndrome. Identifiers: MedGen C5561938, MONDO:0100111, OMIM 619428.

Submission:

Institute of Human Genetics, FAU Erlangen, Friedrich-Alexander-Universität Erlangen-Nürnberg
Classification: Pathogenic for Focal segmental glomerulosclerosis and neurodevelopmental syndrome. Last evaluated: 2023-10-13. Review status: criteria provided, single submitter. Criteria: Hauer et al. (Genet Med. 2018). Collection method: clinical testing. Allele origin: germline. Inheritance: Autosomal dominant inheritance. Affected: yes. Observed: 1 variant allele.
Comment: This variant has been identified by standard clinical testing. de novo Selected ACMG criteria: Pathogenic (I):PM2;PS2;PVS1